The following is an entry in ClinVar:

NM_004629.2(FANCG):c.8G>C (p.Arg3Pro)

Gene: FANCG (FA complementation group G; minus strand). Cytogenetic location: 9p13.3.
Variant type: single nucleotide variant.
Coding change: c.8G>C on transcript NM_004629.2 (MANE Select); coding-DNA position 8, G replaced by C.
Protein change: p.Arg3Pro; replaces arginine 3 with proline.
Molecular consequence: missense variant.
Genome position (GRCh38, 1-based): chr9:35,079,517, C>G on the plus strand (G>C on the coding strand, the complement: FANCG is on the minus strand). VCF-style: chr9-35079517-C-G. GRCh37 (hg19) VCF-style: chr9-35079514-C-G.
Other names: short protein forms R3P.
Identifiers: ClinVar variation 4871005 (VCV004871005.1).

ClinVar aggregate classification (germline): Uncertain significance (1 of 4 stars; one submission).

Conditions:
Inborn genetic diseases. Identifiers: MedGen C0950123, MeSH D030342.

gnomAD v4.1: 4 of 1,613,888 alleles (0.00025%); highest among the groups gnomAD compares: Non-Finnish European, 0.00034%; no homozygotes.

Submission:

Ambry Genetics
Classification: Uncertain significance for Inborn genetic diseases. Last evaluated: 2026-05-19. Review status: criteria provided, single submitter. Criteria: Ambry Variant Classification Scheme 2023. Collection method: clinical testing. Allele origin: germline.
Comment: The p.R3P variant (also known as c.8G>C), located in coding exon 1 of the FANCG gene, results from a G to C substitution at nucleotide position 8. The arginine at codon 3 is replaced by proline, an amino acid with dissimilar properties. This amino acid position is conserved. In addition, this alteration is predicted to be tolerated by in silico analysis. Based on the available evidence, the clinical significance of this variant remains unclear.